The following is an entry in ClinVar:

ClinVar aggregate classification (germline): Benign (1 of 4 stars; one submission).

Conditions:
Familial cancer of breast. Also called: hereditary breast carcinoma; Hereditary breast cancer; BREAST CANCER, FAMILIAL. Identifiers: Orphanet 227535, MedGen C0346153, MONDO:0016419, OMIM 114480. Disease mechanism: loss of function.

Submission:

Myriad Genetics, Inc.
Classification: Benign for Familial cancer of breast. Last evaluated: 2024-07-25. Review status: criteria provided, single submitter. Criteria: Myriad Autosomal Dominant, Autosomal Recessive and X-Linked Classification Criteria (2023). Collection method: clinical testing. Allele origin: unknown.
Comment: This variant is considered benign. This variant is a silent/synonymous amino acid change and it is not expected to impact splicing.

NM_000465.4(BARD1):c.1449T>C (p.His483=)

Gene: BARD1 (BRCA1 associated RING domain 1; minus strand). Cytogenetic location: 2q35.
Variant type: single nucleotide variant.
Coding change: c.1449T>C on transcript NM_000465.4 (MANE Select); coding-DNA position 1449, T replaced by C.
Protein change: p.His483=; no amino-acid change (histidine 483 retained).
Molecular consequence: synonymous variant. On other transcripts: non-coding transcript variant (3), intron variant (3).
Genome position (GRCh38, 1-based): chr2:214,767,601, A>G on the plus strand (T>C on the coding strand, the complement: BARD1 is on the minus strand). VCF-style: chr2-214767601-A-G. GRCh37 (hg19) VCF-style: chr2-215632325-A-G.
Other names: c.1392T>C, p.His464= (NM_001282543.2); c.159-15046T>C (NM_001282548.2); c.216-15046T>C (NM_001282545.2); c.364+24696T>C (NM_001282549.2).
Identifiers: ClinVar variation 3378598 (VCV003378598.1).
Genomic context (GRCh38, chr2:214,767,601, plus strand): 5'-CTTGGCTGCATCGTGAAGTGGTGAGTCATTTTGATACCCGGTGGTGTTCACCAATGCCTT[A>G]TGCTGGAGCAATAATTCCACTACCTTCAGGTGCCCATGATTGCAAGCTTCATGCTAATTA-3'
Protein context (NP_000456.2, residues 473-493): HLKVVELLLQ[His483=]KALVNTTGYQ